The following is an entry in ClinVar:

ClinVar aggregate classification (germline): Uncertain significance (1 of 4 stars; one submission).

Conditions:
Dyskinesia with orofacial involvement, autosomal recessive. Identifiers: MedGen C5562036, MONDO:0030625, OMIM 619647.

Submission:

3billion
Classification: Uncertain significance for Dyskinesia with orofacial involvement, autosomal recessive. Last evaluated: 2025-09-22. Review status: criteria provided, single submitter. Criteria: ACMG Guidelines, 2015. Collection method: clinical testing. Allele origin: germline. Affected: yes.
Comment: The variant is not observed in the gnomAD v4.1.0 dataset. Predicted Consequence/Location: Missense variant In silico tool predictions suggest damaging effect of the variant on gene or gene product [REVEL: 0.82 (>=0.6, sensitivity 0.68 and specificity 0.92); 3Cnet: 0.82 (> 0.75, sensitivity 0.96 and precision 0.92)]. Therefore, this variant is classified as VUS according to the recommendation of ACMG/AMP guideline.

NM_183357.3(ADCY5):c.3293G>A (p.Arg1098Gln)

Gene: ADCY5 (adenylate cyclase 5; minus strand). Cytogenetic location: 3q21.1.
Variant type: single nucleotide variant.
Coding change: c.3293G>A on transcript NM_183357.3 (MANE Select); coding-DNA position 3293, G replaced by A.
Protein change: p.Arg1098Gln; replaces arginine 1098 with glutamine.
Molecular consequence: missense variant.
Genome position (GRCh38, 1-based): chr3:123,291,147, C>T on the plus strand (G>A on the coding strand, the complement: ADCY5 is on the minus strand). VCF-style: chr3-123291147-C-T. GRCh37 (hg19) VCF-style: chr3-123009994-C-T.
Other names: c.2243G>A, p.Arg748Gln (NM_001199642.1); c.3368G>A, p.Arg1123Gln (NM_001378259.1); short protein forms R1098Q, R1123Q, R748Q.
Identifiers: ClinVar variation 4856297 (VCV004856297.1).